The following is an entry in ClinVar:

NM_005609.4(PYGM):c.2428G>A (p.Gly810Ser)

Gene: PYGM (glycogen phosphorylase, muscle associated; minus strand). Cytogenetic location: 11q13.1.
Variant type: single nucleotide variant.
Coding change: c.2428G>A on transcript NM_005609.4 (MANE Select); coding-DNA position 2428, G replaced by A.
Protein change: p.Gly810Ser; replaces glycine 810 with serine.
Molecular consequence: missense variant.
Genome position (GRCh38, 1-based): chr11:64,746,760, C>T on the plus strand (G>A on the coding strand, the complement: PYGM is on the minus strand). VCF-style: chr11-64746760-C-T. GRCh37 (hg19) VCF-style: chr11-64514232-C-T.
Other names: c.2164G>A, p.Gly722Ser (NM_001164716.1); short protein forms G810S, G722S.
Identifiers: ClinVar variation 3691494 (VCV003691494.2).
Genomic context (GRCh38, chr11:64,746,760, plus strand): 5'-GCTCCACACCCCAGATCTCCCGGGCATACTGGGCAATGGTGCGGTCACTGGAGAACTTGC[C>T]AGAGGTGGCTATGTTCCGGATCACCATCCGCGTCCACTCTCTTGGGTTCTGCAGGTCAAA-3'
Protein context (NP_005600.1, residues 800-820): RMVIRNIATS[Gly810Ser]KFSSDRTIAQ

ClinVar aggregate classification (germline): Uncertain significance (1 of 4 stars; one submission).

Conditions:
Glycogen storage disease, type V (GSD5). Also called: MCARDLE DISEASE; MUSCLE GLYCOGEN PHOSPHORYLASE DEFICIENCY; MYOPHOSPHORYLASE DEFICIENCY; PYGM DEFICIENCY; McArdle type glycogen storage disease. Identifiers: Orphanet 368, MedGen C0017924, MONDO:0009293, OMIM 232600.

Submission:

Labcorp Genetics (formerly Invitae), Labcorp
Classification: Uncertain significance for Glycogen storage disease, type V. Last evaluated: 2024-08-31. Review status: criteria provided, single submitter. Criteria: Invitae Variant Classification Sherloc (09022015). Collection method: clinical testing. Allele origin: germline.
Comment: This sequence change replaces glycine, which is neutral and non-polar, with serine, which is neutral and polar, at codon 810 of the PYGM protein (p.Gly810Ser). This variant is not present in population databases (gnomAD no frequency). This variant has not been reported in the literature in individuals affected with PYGM-related conditions. Invitae Evidence Modeling of protein sequence and biophysical properties (such as structural, functional, and spatial information, amino acid conservation, physicochemical variation, residue mobility, and thermodynamic stability) has been performed for this missense variant. However, the output from this modeling did not meet the statistical confidence thresholds required to predict the impact of this variant on PYGM protein function. In summary, the available evidence is currently insufficient to determine the role of this variant in disease. Therefore, it has been classified as a Variant of Uncertain Significance.